The following is an entry in ClinVar:

ClinVar aggregate classification (germline): Uncertain significance (1 of 4 stars; one submission).

Conditions:
Cardiovascular phenotype. Identifiers: MedGen CN230736.

Submission:

Ambry Genetics
Classification: Uncertain significance for Cardiovascular phenotype. Last evaluated: 2025-04-05. Review status: criteria provided, single submitter. Criteria: Ambry Variant Classification Scheme 2023. Collection method: clinical testing. Allele origin: germline.
Comment: The p.S2163R variant (also known as c.6489T>G), located in coding exon 27 of the AKAP9 gene, results from a T to G substitution at nucleotide position 6489. The serine at codon 2163 is replaced by arginine, an amino acid with dissimilar properties. This amino acid position is conserved. In addition, this alteration is predicted to be tolerated by in silico analysis. Based on the available evidence, the clinical significance of this variant remains unclear.

NM_005751.5(AKAP9):c.6489T>G (p.Ser2163Arg)

Gene: AKAP9 (A-kinase anchoring protein 9; plus strand). Cytogenetic location: 7q21.2.
Variant type: single nucleotide variant.
Coding change: c.6489T>G on transcript NM_005751.5 (MANE Select); coding-DNA position 6489, T replaced by G.
Protein change: p.Ser2163Arg; replaces serine 2163 with arginine.
Molecular consequence: missense variant. On other transcripts: intron variant (1).
Genome position (GRCh38, 1-based): chr7:92,070,188, T>G. VCF-style: chr7-92070188-T-G. GRCh37 (hg19) VCF-style: chr7-91699502-T-G.
Other names: c.1134T>G, p.Ser378Arg (NM_001379277.1); c.6483+6T>G (NM_147185.3); short protein forms S378R, S2163R.
Identifiers: ClinVar variation 4033799 (VCV004033799.1).